The following is an entry in ClinVar:

NM_000245.4(MET):c.1306G>C (p.Glu436Gln)

Gene: MET (MET proto-oncogene, receptor tyrosine kinase; plus strand). Cytogenetic location: 7q31.2.
Variant type: single nucleotide variant.
Coding change: c.1306G>C on transcript NM_000245.4 (MANE Select); coding-DNA position 1306, G replaced by C.
Protein change: p.Glu436Gln; replaces glutamic acid 436 with glutamine.
Molecular consequence: missense variant.
Genome position (GRCh38, 1-based): chr7:116,731,773, G>C. VCF-style: chr7-116731773-G-C. GRCh37 (hg19) VCF-style: chr7-116371827-G-C.
Other names: c.1306G>C, p.Glu436Gln (NM_001127500.3, NM_001324401.3); c.16G>C, p.Glu6Gln (NM_001324402.2); short protein forms E436Q, E6Q.
Identifiers: ClinVar variation 41617 (VCV000041617.6), dbSNP rs200740468, ClinGen allele CA215636.

ClinVar aggregate classification (germline): Uncertain significance. Review status: criteria provided, multiple submitters, no conflicts (2 of 4 stars). 3 submissions from 3 submitters: Uncertain significance (2). 1 of the submissions does not count toward it. Last evaluated 2025-03-04.

Conditions:
Renal cell carcinoma. Identifiers: Orphanet 217071, MedGen C0007134, MeSH D002292, MONDO:0005086, HP:0005584.

Submissions (3):

Labcorp Genetics (formerly Invitae), Labcorp
Classification: Uncertain significance for Renal cell carcinoma. Last evaluated: 2025-03-04. Review status: criteria provided, single submitter. Criteria: Invitae Variant Classification Sherloc (09022015). Collection method: clinical testing. Allele origin: germline.
Comment: This sequence change replaces glutamic acid, which is acidic and polar, with glutamine, which is neutral and polar, at codon 436 of the MET protein (p.Glu436Gln). This variant is not present in population databases (gnomAD no frequency). This variant has not been reported in the literature in individuals affected with MET-related conditions. ClinVar contains an entry for this variant (Variation ID: 41617). Invitae Evidence Modeling of protein sequence and biophysical properties (such as structural, functional, and spatial information, amino acid conservation, physicochemical variation, residue mobility, and thermodynamic stability) indicates that this missense variant is not expected to disrupt MET protein function with a negative predictive value of 80%. In summary, the available evidence is currently insufficient to determine the role of this variant in disease. Therefore, it has been classified as a Variant of Uncertain Significance.

Women's Health and Genetics/Laboratory Corporation of America, LabCorp
Classification: Uncertain significance. Last evaluated: 2020-01-17. Review status: criteria provided, single submitter. Criteria: LabCorp Variant Classification Summary - May 2015. Collection method: clinical testing. Allele origin: germline.
Comment: Variant summary: MET c.1306G>C (p.Glu436Gln) results in a conservative amino acid change located in the Sema domain of the encoded protein sequence. Five of five in-silico tools predict a benign effect of the variant on protein function. The variant was absent in 249442 control chromosomes. The available data on variant occurrences in the general population are insufficient to allow any conclusion about variant significance. c.1306G>C has not been reported in the literature in individuals affected with Papillary Renal Cell Carcinoma. To our knowledge, no experimental evidence demonstrating an impact on protein function has been reported. No clinical diagnostic laboratories have submitted clinical-significance assessments for this variant to ClinVar after 2014. Based on the evidence outlined above, the variant was classified as uncertain significance.

Biesecker Lab/Clinical Genomics Section, National Institutes of Health
Classification: Uncertain significance. Last evaluated: 2012-07-13. Review status: no assertion criteria provided. Collection method: research. Allele origin: germline. Affected: no. Observed: 1 variant allele. Study: ClinSeq. Not counted in ClinVar's aggregate classification.
ClinVar note: Converted during submission from variant of unknown significance to Uncertain significance.